The following is an entry in ClinVar:

ClinVar aggregate classification (germline): Conflicting classifications of pathogenicity. Review status: criteria provided, conflicting classifications (1 of 4 stars). 3 submissions from 3 submitters: Pathogenic (2); Uncertain significance (1). Last evaluated 2025-11-03.

Conditions:
Anauxetic dysplasia. Identifiers: Orphanet 93347, MedGen C1846796, MONDO:0011773.

Allele frequency attached by ClinVar (database versions not stated): gnomAD exomes 0.00001.
gnomAD v4.1: 5 of 700,428 alleles (0.00071%); highest among the groups gnomAD compares: Non-Finnish European, 0.001%; no homozygotes.

Submissions (3):

Labcorp Genetics (formerly Invitae), Labcorp
Classification: Pathogenic for Anauxetic dysplasia. Last evaluated: 2025-11-03. Review status: criteria provided, single submitter. Criteria: Invitae Variant Classification Sherloc (09022015). Collection method: clinical testing. Allele origin: germline.
Comment: This variant occurs in the RMRP gene, which encodes an RNA molecule that does not result in a protein product. This variant is not present in population databases (gnomAD no frequency). This variant has been observed in individual(s) with RMRP-related conditions (PMID: 16244706, 16838329, 26279652, 32021596; internal data). This variant is also known as g.97G>A. ClinVar contains an entry for this variant (Variation ID: 1067258). For these reasons, this variant has been classified as Pathogenic.

Blueprint Genetics
Classification: Uncertain significance. Last evaluated: 2022-08-08. Review status: criteria provided, single submitter. Criteria: ACMG Guidelines, 2015. Collection method: clinical testing. Allele origin: germline.

CeGaT Center for Human Genetics Tuebingen
Classification: Pathogenic. Last evaluated: 2019-05-01. Review status: criteria provided, single submitter. Criteria: CeGaT Center For Human Genetics Tuebingen Variant Classification Criteria Version 2. Collection method: clinical testing. Allele origin: germline. Affected: yes. Observed: 1 variant allele.

Literature cited by the submitters: PubMed 16244706 (cited by Labcorp Genetics (formerly Invitae), Labcorp); PubMed 16838329 (cited by Labcorp Genetics (formerly Invitae), Labcorp); PubMed 26279652 (cited by Labcorp Genetics (formerly Invitae), Labcorp); PubMed 32021596 (cited by Labcorp Genetics (formerly Invitae), Labcorp).

NC_000009.12:g.35657921C>T

Gene: RMRP (RNA component of mitochondrial RNA processing endoribonuclease; minus strand). Cytogenetic location: 9p13.3.
Variant type: single nucleotide variant.
Genome position: GRCh38 VCF-style: chr9-35657921-C-T. GRCh37 (hg19) VCF-style: chr9-35657918-C-T.
Identifiers: ClinVar variation 1067258 (VCV001067258.39), dbSNP rs915919453, ClinGen allele CA192745641.